The following is an entry in ClinVar:

NM_001363118.2(SLC52A2):c.1088C>T (p.Pro363Leu)

Gene: SLC52A2 (solute carrier family 52 member 2; plus strand). Cytogenetic location: 8q24.3.
Variant type: single nucleotide variant.
Coding change: c.1088C>T on transcript NM_001363118.2 (MANE Select); coding-DNA position 1088, C replaced by T.
Protein change: p.Pro363Leu; replaces proline 363 with leucine.
Molecular consequence: missense variant. On other transcripts: non-coding transcript variant (1).
Genome position (GRCh38, 1-based): chr8:144,360,676, C>T. VCF-style: chr8-144360676-C-T. GRCh37 (hg19) VCF-style: chr8-145584336-C-T.
Other names: c.1088C>T, p.Pro363Leu (NM_001253815.2, NM_001253816.2, NM_001363120.2 and 2 more transcripts); c.596C>T, p.Pro199Leu (NM_001363122.2); short protein forms P363L, P199L.
Identifiers: ClinVar variation 210042 (VCV000210042.9), dbSNP rs797045202, ClinGen allele CA347022.

ClinVar aggregate classification (germline): Pathogenic/Likely pathogenic. Review status: criteria provided, multiple submitters, no conflicts (2 of 4 stars). 2 submissions from 2 submitters: Pathogenic (1); Likely pathogenic (1). Last evaluated 2025-04-21.

Conditions:
Brown-Vialetto-van Laere syndrome 2. Also called: SPINOCEREBELLAR ATAXIA WITH BLINDNESS AND DEAFNESS 2; Riboflavin transporter deficiency type 2. Identifiers: Orphanet 572543, Orphanet 97229, MedGen C3553538, MONDO:0013867, OMIM 614707.

Allele frequency attached by ClinVar (database versions not stated): TOPMed below 0.00001; gnomAD exomes 0.00001.
gnomAD v4.1: 9 of 1,604,958 alleles (0.00056%); highest among the groups gnomAD compares: Non-Finnish European, 0.00068%; no homozygotes.

Submissions (2):

Labcorp Genetics (formerly Invitae), Labcorp
Classification: Pathogenic for Brown-Vialetto-van Laere syndrome 2. Last evaluated: 2025-04-21. Review status: criteria provided, single submitter. Criteria: Invitae Variant Classification Sherloc (09022015). Collection method: clinical testing. Allele origin: germline.
Comment: This sequence change replaces proline, which is neutral and non-polar, with leucine, which is neutral and non-polar, at codon 363 of the SLC52A2 protein (p.Pro363Leu). This variant is not present in population databases (gnomAD no frequency). This missense change has been observed in individual(s) with clinical features of Brown-Vialetto-Van Laere syndrome (PMID: 29053833; internal data). In at least one individual the data is consistent with being in trans (on the opposite chromosome) from a pathogenic variant. ClinVar contains an entry for this variant (Variation ID: 210042). Invitae Evidence Modeling of protein sequence and biophysical properties (such as structural, functional, and spatial information, amino acid conservation, physicochemical variation, residue mobility, and thermodynamic stability) indicates that this missense variant is expected to disrupt SLC52A2 protein function with a positive predictive value of 95%. For these reasons, this variant has been classified as Pathogenic.

Baylor Genetics
Classification: Likely pathogenic for Brown-Vialetto-van Laere syndrome 2. Last evaluated: 2019-12-13. Review status: criteria provided, single submitter. Criteria: ACMG Guidelines, 2015. Collection method: clinical testing. Allele origin: unknown. Affected: yes.
Comment: This variant was determined to be likely pathogenic according to ACMG Guidelines, 2015 [PMID:25741868].

Literature cited by the submitters: PubMed 29053833 (cited by Labcorp Genetics (formerly Invitae), Labcorp).